The following is an entry in ClinVar:

NM_004484.4(GPC3):c.181G>C (p.Asp61His)

Gene: GPC3 (glypican 3; minus strand). Cytogenetic location: Xq26.2.
Variant type: single nucleotide variant.
Coding change: c.181G>C on transcript NM_004484.4 (MANE Select); coding-DNA position 181, G replaced by C.
Protein change: p.Asp61His; replaces aspartic acid 61 with histidine.
Molecular consequence: missense variant. On other transcripts: intron variant (1).
Genome position (GRCh38, 1-based): chrX:133,953,206, C>G on the plus strand (G>C on the coding strand, the complement: GPC3 is on the minus strand). VCF-style: chrX-133953206-C-G. GRCh37 (hg19) VCF-style: chrX-133087233-C-G.
Other names: c.181G>C, p.Asp61His (NM_001164617.2, NM_001164618.2); c.175+32069G>C (NM_001164619.2); short protein forms D61H.
Identifiers: ClinVar variation 1062317 (VCV001062317.11), dbSNP rs2124634901, ClinGen allele CA414707622.

ClinVar aggregate classification (germline): Uncertain significance. Review status: criteria provided, multiple submitters, no conflicts (2 of 4 stars). 2 submissions from 2 submitters: Uncertain significance (2). Last evaluated 2023-09-17.

Conditions:
Wilms tumor 1 (WT1). Also called: Wilms tumor, somatic. Identifiers: Orphanet 654, MedGen CN033288, MONDO:0008679, OMIM 194070.

Allele frequency attached by ClinVar (database versions not stated): gnomAD exomes 0.00001.
gnomAD v4.1: 6 of 1,209,242 alleles (0.0005%); highest among the groups gnomAD compares: Non-Finnish European, 0.00067%; no homozygotes.

Submissions (2):

Labcorp Genetics (formerly Invitae), Labcorp
Classification: Uncertain significance for Wilms tumor 1. Last evaluated: 2023-09-17. Review status: criteria provided, single submitter. Criteria: Invitae Variant Classification Sherloc (09022015). Collection method: clinical testing. Allele origin: germline.
Comment: In summary, the available evidence is currently insufficient to determine the role of this variant in disease. Therefore, it has been classified as a Variant of Uncertain Significance. Advanced modeling of protein sequence and biophysical properties (such as structural, functional, and spatial information, amino acid conservation, physicochemical variation, residue mobility, and thermodynamic stability) has been performed at Invitae for this missense variant, however the output from this modeling did not meet the statistical confidence thresholds required to predict the impact of this variant on GPC3 protein function. ClinVar contains an entry for this variant (Variation ID: 1062317). This variant has not been reported in the literature in individuals affected with GPC3-related conditions. This variant is not present in population databases (gnomAD no frequency). This sequence change replaces aspartic acid, which is acidic and polar, with histidine, which is basic and polar, at codon 61 of the GPC3 protein (p.Asp61His).

GeneDx
Classification: Uncertain significance. Last evaluated: 2022-03-09. Review status: criteria provided, single submitter. Criteria: GeneDx Variant Classification Process June 2021. Collection method: clinical testing. Allele origin: germline. Affected: yes.
Comment: Not observed at significant frequency in large population cohorts (gnomAD); In silico analysis supports that this missense variant has a deleterious effect on protein structure/function; Has not been previously published as pathogenic or benign to our knowledge